The following is an entry in ClinVar:

NM_005199.5(CHRNG):c.274C>T (p.Arg92Ter)

Gene: CHRNG (cholinergic receptor nicotinic gamma subunit; plus strand). Cytogenetic location: 2q37.1.
Variant type: single nucleotide variant.
Coding change: c.274C>T on transcript NM_005199.5 (MANE Select); coding-DNA position 274, C replaced by T.
Protein change: p.Arg92Ter; replaces arginine 92 with a stop codon.
Molecular consequence: nonsense.
Genome position (GRCh38, 1-based): chr2:232,540,635, C>T. VCF-style: chr2-232540635-C-T. GRCh37 (hg19) VCF-style: chr2-233405345-C-T.
Other names: short protein forms R92*.
Identifiers: ClinVar variation 618567 (VCV000618567.13), dbSNP rs1559302834, ClinGen allele CA351007525.

ClinVar aggregate classification (germline): Pathogenic/Likely pathogenic. Review status: criteria provided, multiple submitters, no conflicts (2 of 4 stars). 3 submissions from 3 submitters: Pathogenic (2); Likely pathogenic (1). Last evaluated 2024-06-23.

Conditions:
Autosomal recessive multiple pterygium syndrome. Also called: PTERYGIUM COLLI SYNDROME; PTERYGIUM SYNDROME; PTERYGIUM UNIVERSALE; MULTIPLE PTERYGIUM SYNDROME, ESCOBAR VARIANT. Identifiers: Orphanet 2990, MedGen C0265261, MONDO:0009926, OMIM 265000.
Lethal multiple pterygium syndrome (LMPS). Identifiers: Orphanet 33108, MedGen C1854678, MONDO:0009668, OMIM 253290.

Allele frequency attached by ClinVar (database versions not stated): gnomAD exomes below 0.00001; gnomAD 0.00001.

Submissions (3):

Fulgent Genetics
Classification: Likely pathogenic for Lethal multiple pterygium syndrome; Autosomal recessive multiple pterygium syndrome. Last evaluated: 2024-06-23. Review status: criteria provided, single submitter. Criteria: ACMG Guidelines, 2015. Collection method: clinical testing. Allele origin: germline.

Labcorp Genetics (formerly Invitae), Labcorp
Classification: Pathogenic. Last evaluated: 2024-03-22. Review status: criteria provided, single submitter. Criteria: Invitae Variant Classification Sherloc (09022015). Collection method: clinical testing. Allele origin: germline.
Comment: This sequence change creates a premature translational stop signal (p.Arg92*) in the CHRNG gene. It is expected to result in an absent or disrupted protein product. Loss-of-function variants in CHRNG are known to be pathogenic (PMID: 16826520). This variant is not present in population databases (gnomAD no frequency). This variant has not been reported in the literature in individuals affected with CHRNG-related conditions. ClinVar contains an entry for this variant (Variation ID: 618567). For these reasons, this variant has been classified as Pathogenic.

ARUP Laboratories, Molecular Genetics and Genomics, ARUP Laboratories
Classification: Pathogenic. Last evaluated: 2017-11-10. Review status: criteria provided, single submitter. Criteria: ARUP Molecular Germline Variant Investigation Process. Collection method: clinical testing. Allele origin: germline.
Comment: The CHRNG c.274C>T; p.Arg92Ter variant is not published in the medical literature, in gene-specific databases, or in the ClinVar database. The variant is not listed in the dbSNP variant database nor in general population-based databases (Exome Variant Server, Genome Aggregation Database). This variant introduces a premature termination codon and is predicted to result in a truncated protein or mRNA subject to nonsense-mediated decay. Considering available information, this variant is classified as pathogenic. Pathogenic CHRNG variants are causative for autosomal recessive pterygium syndrome (MIM#253290) or Escobar syndrome (MIM#26500).

Literature cited by the submitters: PubMed 16826520 (cited by Labcorp Genetics (formerly Invitae), Labcorp).